The following is an entry in ClinVar:

ClinVar aggregate classification (germline): Uncertain significance (1 of 4 stars; one submission).

Submission:

Laboratory for Molecular Medicine, Mass General Brigham Personalized Medicine
Classification: Uncertain significance. Last evaluated: 2012-02-01. Review status: criteria provided, single submitter. Criteria: LMM Criteria. Collection method: clinical testing. Allele origin: germline. Observed: 1 variant allele.
Comment: Variant classified as Uncertain Significance - Favor Pathogenic. The Arg384Thr v ariant has not been reported in the literature nor previously identified by our laboratory. Computational analyses (biochemical amino acid properties, conserva tion, AlignGVGD, PolyPhen2, and SIFT) indicate that the Arg384Thr variant may im pact the protein, though this information is not predictive enough to determine pathogenicity. In the absence of additional information, the clinical significa nce of this variant cannot be determined at this time; however, based upon the v ariant?s location within one of the three TNF-homologous regions, known to harbo r many other pathogenic missense mutations, we would lean towards a more likely pathogenic role.

NM_001399.5(EDA):c.1151G>C (p.Arg384Thr)

Gene: EDA (ectodysplasin A; plus strand). Cytogenetic location: Xq13.1.
Variant type: single nucleotide variant.
Coding change: c.1151G>C on transcript NM_001399.5 (MANE Select); coding-DNA position 1151, G replaced by C.
Protein change: p.Arg384Thr; replaces arginine 384 with threonine.
Molecular consequence: missense variant.
Genome position (GRCh38, 1-based): chrX:70,035,584, G>C. VCF-style: chrX-70035584-G-C. GRCh37 (hg19) VCF-style: chrX-69255434-G-C.
Other names: c.1145G>C, p.Arg382Thr (NM_001005609.2); c.1136G>C, p.Arg379Thr (NM_001005612.3); short protein forms R384T, R382T, R379T.
Identifiers: ClinVar variation 44186 (VCV000044186.4), dbSNP rs397516655, ClinGen allele CA133743.